The following is an entry in ClinVar:

ClinVar aggregate classification (germline): Uncertain significance (1 of 4 stars; one submission).

Conditions:
Hereditary cancer-predisposing syndrome. Also called: Neoplastic Syndromes, Hereditary; Tumor predisposition; Hereditary Cancer Syndrome; Hereditary neoplastic syndrome. Identifiers: Orphanet 140162, MedGen C0027672, MeSH D009386, MONDO:0015356.

Submission:

Ambry Genetics
Classification: Uncertain significance for Hereditary cancer-predisposing syndrome. Last evaluated: 2022-03-11. Review status: criteria provided, single submitter. Criteria: Ambry Variant Classification Scheme 2023. Collection method: clinical testing. Allele origin: germline.
Comment: The p.S705R variant (also known as c.2115C>G), located in coding exon 17 of the BAP1 gene, results from a C to G substitution at nucleotide position 2115. The serine at codon 705 is replaced by arginine, an amino acid with dissimilar properties. This amino acid position is highly conserved in available vertebrate species. In addition, the in silico prediction for this alteration is inconclusive. Since supporting evidence is limited at this time, the clinical significance of this alteration remains unclear.

NM_004656.4(BAP1):c.2115C>G (p.Ser705Arg)

Gene: BAP1 (BRCA1 associated deubiquitinase 1; minus strand). Cytogenetic location: 3p21.1.
Variant type: single nucleotide variant.
Coding change: c.2115C>G on transcript NM_004656.4 (MANE Select); coding-DNA position 2115, C replaced by G.
Protein change: p.Ser705Arg; replaces serine 705 with arginine.
Molecular consequence: missense variant.
Genome position (GRCh38, 1-based): chr3:52,402,363, G>C on the plus strand (C>G on the coding strand, the complement: BAP1 is on the minus strand). VCF-style: chr3-52402363-G-C. GRCh37 (hg19) VCF-style: chr3-52436379-G-C.
Other names: c.2061C>G, p.Ser687Arg (NM_001410772.1); short protein forms S687R, S705R.
Identifiers: ClinVar variation 1786165 (VCV001786165.2), dbSNP rs1234811156, ClinGen allele CA353094285.
Genomic context (GRCh38, chr3:52,402,363, plus strand): 5'-CTTGTAGGGGCGAGAGCGTTTCCGCCGGTCAGGCTTCCGCTGCTTGTGGAGCCGGCCGAT[G>C]CTGACCCCTTGGCGCCGCCGCACGGAGATGTTCTGCTCCACTAGGTTGGCCAGCATGCCT-3'
Protein context (NP_004647.1, residues 695-715): NISVRRRQGV[Ser705Arg]IGRLHKQRKP